The following is an entry in ClinVar:

ClinVar aggregate classification (germline): Uncertain significance (1 of 4 stars; one submission).

Submission:

Labcorp Genetics (formerly Invitae), Labcorp
Classification: Uncertain significance. Last evaluated: 2025-07-23. Review status: criteria provided, single submitter. Criteria: Invitae Variant Classification Sherloc (09022015). Collection method: clinical testing. Allele origin: germline.
Comment: This sequence change replaces methionine, which is neutral and non-polar, with arginine, which is basic and polar, at codon 83 of the KLHL3 protein (p.Met83Arg). This variant is not present in population databases (gnomAD no frequency). This variant has not been reported in the literature in individuals affected with KLHL3-related conditions. Invitae Evidence Modeling of protein sequence and biophysical properties (such as structural, functional, and spatial information, amino acid conservation, physicochemical variation, residue mobility, and thermodynamic stability) indicates that this missense variant is not expected to disrupt KLHL3 protein function with a negative predictive value of 80%. In summary, the available evidence is currently insufficient to determine the role of this variant in disease. Therefore, it has been classified as a Variant of Uncertain Significance.

NM_017415.3(KLHL3):c.248T>G (p.Met83Arg)

Gene: KLHL3 (kelch like family member 3; minus strand). Cytogenetic location: 5q31.2.
Variant type: single nucleotide variant.
Coding change: c.248T>G on transcript NM_017415.3 (MANE Select); coding-DNA position 248, T replaced by G.
Protein change: p.Met83Arg; replaces methionine 83 with arginine.
Molecular consequence: missense variant. On other transcripts: initiator codon variant (1).
Genome position (GRCh38, 1-based): chr5:137,698,402, A>C on the plus strand (T>G on the coding strand, the complement: KLHL3 is on the minus strand). VCF-style: chr5-137698402-A-C. GRCh37 (hg19) VCF-style: chr5-137034091-A-C.
Other names: c.152T>G, p.Met51Arg (NM_001257194.1); c.2T>G, p.Met1Arg (NM_001257195.2); short protein forms M51R, M83R, M1R.
Identifiers: ClinVar variation 4737868 (VCV004737868.1).